The following is an entry in ClinVar:

ClinVar aggregate classification (germline): Uncertain significance. Review status: criteria provided, multiple submitters, no conflicts (2 of 4 stars). 3 submissions from 3 submitters: Uncertain significance (3). Last evaluated 2025-06-01.

Conditions:
Oculotrichoanal syndrome (MOTA). Also called: MARLES SYNDROME; Manitoba Oculotrichoanal (MOTA) Syndrome. Identifiers: Orphanet 2717, MedGen C1855425, MONDO:0009560, OMIM 248450.
Trigonocephaly 2 (TRIGNO2). Identifiers: Orphanet 3366, MedGen C3280974, MONDO:0013774, OMIM 614485.
BNAR syndrome. Also called: Bifid Nose With or Without Anorectal and Renal Anomalies (BNAR) Syndrome. Identifiers: Orphanet 217266, MedGen C2750433, MONDO:0012165, OMIM 608980.

Allele frequency attached by ClinVar (database versions not stated): gnomAD 0.00001 and 0.00002; TOPMed 0.00001; ExAC 0.00004; gnomAD exomes 0.00005.
gnomAD v4.1: 16 of 1,613,932 alleles (0.00099%); highest among the groups gnomAD compares: East Asian, 0.033%; no homozygotes.

Submissions (3):

CeGaT Center for Human Genetics Tuebingen
Classification: Uncertain significance. Last evaluated: 2025-06-01. Review status: criteria provided, single submitter. Criteria: CeGaT Center For Human Genetics Tuebingen Variant Classification Criteria Version 2. Collection method: clinical testing. Allele origin: germline. Affected: yes. Observed: 1 variant allele.
Comment: FREM1: PM2, BP4

Fulgent Genetics
Classification: Uncertain significance for Oculotrichoanal syndrome; BNAR syndrome; Trigonocephaly 2. Last evaluated: 2024-06-18. Review status: criteria provided, single submitter. Criteria: ACMG Guidelines, 2015. Collection method: clinical testing. Allele origin: germline.

Illumina Laboratory Services, Illumina
Classification: Uncertain significance for Oculotrichoanal syndrome. Last evaluated: 2018-01-13. Review status: criteria provided, single submitter. Criteria: ICSL Variant Classification Criteria 13 December 2019. Collection method: clinical testing. Allele origin: germline.

NM_001379081.2(FREM1):c.2785G>T (p.Val929Leu)

Genes: FREM1 (FRAS1 related extracellular matrix 1; minus strand), LOC126860582 (P300/CBP strongly-dependent group 1 enhancer GRCh37_chr9:14812530-14813729; plus strand). Cytogenetic location: 9p22.3.
Variant type: single nucleotide variant.
Coding change: c.2785G>T on transcript NM_001379081.2 (MANE Select); coding-DNA position 2785, G replaced by T.
Protein change: p.Val929Leu; replaces valine 929 with leucine.
Molecular consequence: missense variant. On other transcripts: non-coding transcript variant (2).
Genome position (GRCh38, 1-based): chr9:14,812,920, C>A on the plus strand (G>T on the coding strand, the complement: FREM1 is on the minus strand). VCF-style: chr9-14812920-C-A. GRCh37 (hg19) VCF-style: chr9-14812918-C-A.
Other names: c.2785G>T, p.Val929Leu (NM_144966.7); short protein forms V929L.
Identifiers: ClinVar variation 366140 (VCV000366140.16), dbSNP rs755700934, ClinGen allele CA4990816.
Genomic context (GRCh38, chr9:14,812,920, plus strand): 5'-ACTGATCCACTGTGACTCCAGCTCTCCTCACCACCCCATGCTGAGGTTCGCGAGCAATCA[C>A]AAACATCAACTTCAAGTTATCGCTGTCCACATCAGTAGCAAAAATGTATTCAGAGGTGAT-3'
Protein context (NP_001366010.1, residues 919-939): VDSDNLKLMF[Val929Leu]IAREPQHGVV